The following is an entry in ClinVar:

NM_004946.3(DOCK2):c.947C>T (p.Thr316Met)

Genes: DOCK2 (dedicator of cytokinesis 2; plus strand), LOC126807589 (BRD4-independent group 4 enhancer GRCh37_chr5:169122482-169123681; plus strand). Cytogenetic location: 5q35.1.
Variant type: single nucleotide variant.
Coding change: c.947C>T on transcript NM_004946.3 (MANE Select); coding-DNA position 947, C replaced by T.
Protein change: p.Thr316Met; replaces threonine 316 with methionine.
Molecular consequence: missense variant. On other transcripts: non-coding transcript variant (1).
Genome position (GRCh38, 1-based): chr5:169,695,906, C>T. VCF-style: chr5-169695906-C-T. GRCh37 (hg19) VCF-style: chr5-169122910-C-T.
Other names: short protein forms T316M.
Identifiers: ClinVar variation 2184944 (VCV002184944.2), dbSNP rs1760591452, ClinGen allele CA362104837.

ClinVar aggregate classification (germline): Uncertain significance (1 of 4 stars; one submission).

Conditions:
DOCK2 deficiency. Also called: Immunodeficiency 40. Identifiers: Orphanet 447737, MedGen C4225328, MONDO:0014637, OMIM 616433.

Allele frequency attached by ClinVar (database versions not stated): gnomAD exomes below 0.00001; TOPMed below 0.00001.
gnomAD v4.1: 3 of 1,613,040 alleles (0.00019%); highest among the groups gnomAD compares: Non-Finnish European, 0.00017%; no homozygotes.

Submission:

Labcorp Genetics (formerly Invitae), Labcorp
Classification: Uncertain significance for DOCK2 deficiency. Last evaluated: 2022-08-13. Review status: criteria provided, single submitter. Criteria: Invitae Variant Classification Sherloc (09022015). Collection method: clinical testing. Allele origin: germline.
Comment: In summary, the available evidence is currently insufficient to determine the role of this variant in disease. Therefore, it has been classified as a Variant of Uncertain Significance. Algorithms developed to predict the effect of missense changes on protein structure and function are either unavailable or do not agree on the potential impact of this missense change (SIFT: "Tolerated"; PolyPhen-2: "Probably Damaging"; Align-GVGD: "Class C0"). This variant has not been reported in the literature in individuals affected with DOCK2-related conditions. This variant is not present in population databases (gnomAD no frequency). This sequence change replaces threonine, which is neutral and polar, with methionine, which is neutral and non-polar, at codon 316 of the DOCK2 protein (p.Thr316Met).